The following is an entry in ClinVar:

NM_001142864.4(PIEZO1):c.1167C>T (p.Thr389=)

Genes: HSALR1 (HSP90AB1 associated lncRNA 1; plus strand), PIEZO1 (piezo type mechanosensitive ion channel component 1 (Er blood group); minus strand). Cytogenetic location: 16q24.3.
Variant type: single nucleotide variant.
Coding change: c.1167C>T on transcript NM_001142864.4 (MANE Select); coding-DNA position 1167, C replaced by T.
Protein change: p.Thr389=; no amino-acid change (threonine 389 retained).
Molecular consequence: synonymous variant.
Genome position (GRCh38, 1-based): chr16:88,737,587, G>A on the plus strand (C>T on the coding strand, the complement: PIEZO1 is on the minus strand). VCF-style: chr16-88737587-G-A. GRCh37 (hg19) VCF-style: chr16-88803995-G-A.
Identifiers: ClinVar variation 4982995 (VCV004982995.1).

ClinVar aggregate classification (germline): Likely benign (1 of 4 stars; one submission).

Conditions:
PIEZO1-related disorder. Also called: PIEZO1-related condition; PIEZO1-Related Disorders.

gnomAD v4.1: 40 of 1,534,222 alleles (0.0026%); highest among the groups gnomAD compares: Non-Finnish European, 0.0034%; no homozygotes.

Submission:

PreventionGenetics, part of Exact Sciences
Classification: Likely benign for PIEZO1-related condition. Last evaluated: 2024-12-01. Review status: criteria provided, single submitter. Criteria: ACMG Guidelines, 2015. Collection method: clinical testing. Allele origin: germline.
Comment: This variant is classified as likely benign based on ACMG/AMP sequence variant interpretation guidelines (Richards et al. 2015 PMID: 25741868, with internal and published modifications).